The following is an entry in ClinVar:

ClinVar aggregate classification (germline): Uncertain significance (1 of 4 stars; one submission).

Allele frequency attached by ClinVar (database versions not stated): TOPMed below 0.00001; gnomAD 0.00001.
gnomAD v4.1: 3 of 1,603,292 alleles (0.00019%); highest among the groups gnomAD compares: Non-Finnish European, 0.00026%; no homozygotes.

Submission:

CeGaT Center for Human Genetics Tuebingen
Classification: Uncertain significance. Last evaluated: 2023-11-01. Review status: criteria provided, single submitter. Criteria: CeGaT Center For Human Genetics Tuebingen Variant Classification Criteria Version 2. Collection method: clinical testing. Allele origin: germline. Affected: yes. Observed: 1 variant allele.
Comment: COL4A1: PM2, BP4

NM_001845.6(COL4A1):c.2096-8T>A

Gene: COL4A1 (collagen type IV alpha 1 chain; minus strand). Cytogenetic location: 13q34.
Variant type: single nucleotide variant.
Coding change: c.2096-8T>A on transcript NM_001845.6 (MANE Select); 8 bases into the intron before coding-DNA position 2096, T replaced by A.
Molecular consequence: intron variant.
Genome position (GRCh38, 1-based): chr13:110,181,397, A>T on the plus strand (T>A on the coding strand, the complement: COL4A1 is on the minus strand). VCF-style: chr13-110181397-A-T. GRCh37 (hg19) VCF-style: chr13-110833744-A-T.
Identifiers: ClinVar variation 2672548 (VCV002672548.23), dbSNP rs1469256881, ClinGen allele CA694998819.
Genomic context (GRCh38, chr13:110,181,397, plus strand): 5'-CGGGCGACCTGGAGTCCCCGGTGGCCCCATGTCTCCAGGTAAGCCGTCAACACCTGTTTT[A>T]AAGAGTCAAAAAAAAAAAACAAACAAACAATCATTGCGATTACAATGCCGTTCCCCACTT-3'